The following is an entry in ClinVar:

ClinVar aggregate classification (germline): Uncertain significance. Review status: criteria provided, multiple submitters, no conflicts (2 of 4 stars). 3 submissions from 3 submitters: Uncertain significance (3). Last evaluated 2026-02-08.

Conditions:
Microcephaly 5, primary, autosomal recessive (MCPH5). Also called: ASPM Primary Microcephaly. Identifiers: Orphanet 2512, MedGen C1837501, MONDO:0012106, OMIM 608716.
Inborn genetic diseases. Identifiers: MedGen C0950123, MeSH D030342.

Allele frequency attached by ClinVar (database versions not stated): ESP Exome Variant Server 0.00015; TOPMed 0.00017; ExAC 0.00007; gnomAD exomes 0.00008.
gnomAD v4.1: 50 of 1,612,616 alleles (0.0031%); highest among the groups gnomAD compares: African/African-American, 0.044%; no homozygotes.

Submissions (3):

GeneDx
Classification: Uncertain significance. Last evaluated: 2026-02-08. Review status: criteria provided, single submitter. Criteria: GeneDx Variant Classification Process June 2021. Collection method: clinical testing. Allele origin: germline. Affected: yes.
Comment: In silico analysis supports that this missense variant has a deleterious effect on protein structure/function; Missense variant in a gene in which most reported pathogenic variants are truncating/loss of function; Has not been previously published as pathogenic or benign to our knowledge

Ambry Genetics
Classification: Uncertain significance for Inborn genetic diseases. Last evaluated: 2025-08-31. Review status: criteria provided, single submitter. Criteria: Ambry Variant Classification Scheme 2023. Collection method: clinical testing. Allele origin: germline.

Genome-Nilou Lab
Classification: Uncertain significance for Microcephaly 5, primary, autosomal recessive. Last evaluated: 2023-04-11. Review status: criteria provided, single submitter. Criteria: ACMG Guidelines, 2015. Collection method: clinical testing. Allele origin: germline. Affected: no.

NM_018136.5(ASPM):c.6851C>T (p.Ser2284Phe)

Gene: ASPM (assembly factor for spindle microtubules; minus strand). Cytogenetic location: 1q31.3.
Variant type: single nucleotide variant.
Coding change: c.6851C>T on transcript NM_018136.5 (MANE Select); coding-DNA position 6851, C replaced by T.
Protein change: p.Ser2284Phe; replaces serine 2284 with phenylalanine.
Molecular consequence: missense variant. On other transcripts: intron variant (1).
Genome position (GRCh38, 1-based): chr1:197,102,400, G>A on the plus strand (C>T on the coding strand, the complement: ASPM is on the minus strand). VCF-style: chr1-197102400-G-A. GRCh37 (hg19) VCF-style: chr1-197071530-G-A.
Other names: c.4066-6236C>T (NM_001206846.2); short protein forms S2284F.
Identifiers: ClinVar variation 1678770 (VCV001678770.7), dbSNP rs371321801, ClinGen allele CA1309503.
Genomic context (GRCh38, chr1:197,102,400, plus strand): 5'-TGCTTTGTACAAAGATGTGCCCGATATTTTCTCTGAATCAAAATAGCAGTTTTCTTGAGA[G>A]AGAGGAATCTTCTTCTCATCATTAGAGTTCTAAATCTCCTCTGAATGAGAGTTGCGGCTA-3'
Protein context (NP_060606.3, residues 2274-2294): RTLMMRRRFL[Ser2284Phe]LKKTAILIQR